The following is an entry in ClinVar:

NM_003072.5(SMARCA4):c.4294G>A (p.Asp1432Asn)

Gene: SMARCA4 (SWI/SNF related BAF chromatin remodeling complex subunit ATPase 4; plus strand). Cytogenetic location: 19p13.2.
Variant type: single nucleotide variant.
Coding change: c.4294G>A on transcript NM_003072.5 (MANE Select); coding-DNA position 4294, G replaced by A.
Protein change: p.Asp1432Asn; replaces aspartic acid 1432 with asparagine.
Molecular consequence: missense variant. On other transcripts: non-coding transcript variant (1).
Genome position (GRCh38, 1-based): chr19:11,041,430, G>A. VCF-style: chr19-11041430-G-A. GRCh37 (hg19) VCF-style: chr19-11152106-G-A.
Other names: c.4204G>A, p.Asp1402Asn (NM_001128846.2, NM_001128845.2); c.4195G>A, p.Asp1399Asn (NM_001128847.4, NM_001128848.2, NM_001374457.1); c.4390G>A, p.Asp1464Asn (NM_001128849.3, NM_001387283.1); c.4294G>A, p.Asp1432Asn (NM_001128844.3); short protein forms D1464N, D1402N, D1399N, D1432N.
Identifiers: ClinVar variation 484931 (VCV000484931.28), dbSNP rs755295556, ClinGen allele CA9204694.

ClinVar aggregate classification (germline): Conflicting classifications of pathogenicity. Review status: criteria provided, conflicting classifications (1 of 4 stars). 6 submissions from 6 submitters: Uncertain significance (4); Likely benign (2). Last evaluated 2026-07-08.

Conditions:
Hereditary cancer-predisposing syndrome. Also called: Tumor predisposition; Neoplastic Syndromes, Hereditary; Hereditary Cancer Syndrome; Hereditary neoplastic syndrome. Identifiers: Orphanet 140162, MedGen C0027672, MeSH D009386, MONDO:0015356.
Intellectual disability, autosomal dominant 16 (CSS4). Also called: COFFIN-SIRIS SYNDROME 4. Identifiers: Orphanet 1465, MedGen C3553249, MONDO:0013821, OMIM 614609.
Rhabdoid tumor predisposition syndrome 2 (RTPS2). Identifiers: Orphanet 231108, Orphanet 69077, MedGen C2750074, MONDO:0013224, OMIM 613325.

Allele frequency attached by ClinVar (database versions not stated): ExAC 0.00002; gnomAD 0.00003; TOPMed 0.00002.
gnomAD v4.1: 22 of 1,612,360 alleles (0.0014%); highest among the groups gnomAD compares: African/African-American, 0.008%; no homozygotes.

Submissions (6):

Myriad Genetics, Inc.
Classification: Likely benign for Rhabdoid tumor predisposition syndrome 2. Last evaluated: 2026-07-08. Review status: criteria provided, single submitter. Criteria: Myriad Autosomal Dominant, Autosomal Recessive and X-Linked Classification Criteria (2023). Collection method: clinical testing. Allele origin: unknown.
Comment: This variant is considered likely benign. This variant has been observed at a population frequency that is significantly greater than expected given the associated disease prevalence and penetrance.

Labcorp Genetics (formerly Invitae), Labcorp
Classification: Uncertain significance for Rhabdoid tumor predisposition syndrome 2. Last evaluated: 2025-12-22. Review status: criteria provided, single submitter. Criteria: Invitae Variant Classification Sherloc (09022015). Collection method: clinical testing. Allele origin: germline.
Comment: This sequence change replaces aspartic acid, which is acidic and polar, with asparagine, which is neutral and polar, at codon 1464 of the SMARCA4 protein (p.Asp1464Asn). This variant is present in population databases (rs755295556, gnomAD 0.009%). This variant has not been reported in the literature in individuals affected with SMARCA4-related conditions. ClinVar contains an entry for this variant (Variation ID: 484931). An algorithm developed to predict the effect of missense changes on protein structure and function (PolyPhen-2) suggests that this variant is likely to be tolerated. In summary, the available evidence is currently insufficient to determine the role of this variant in disease. Therefore, it has been classified as a Variant of Uncertain Significance.

CeGaT Center for Human Genetics Tuebingen
Classification: Uncertain significance. Last evaluated: 2024-12-01. Review status: criteria provided, single submitter. Criteria: CeGaT Center For Human Genetics Tuebingen Variant Classification Criteria Version 2. Collection method: clinical testing. Allele origin: germline. Affected: yes. Observed: 1 variant allele.

Quest Diagnostics Nichols Institute San Juan Capistrano
Classification: Uncertain significance. Last evaluated: 2024-08-13. Review status: criteria provided, single submitter. Criteria: Quest Diagnostics criteria. Collection method: clinical testing. Allele origin: unknown.
Comment: The SMARCA4 c.4390G>A (p.Asp1464Asn) variant has not been reported in individuals with SMARCA4-related conditions in the published literature. The frequency of this variant in the general population, 0.000085 (3/35326 chromosomes (Genome Aggregation Database)), is uninformative in the assessment of its pathogenicity. Analysis of this variant using bioinformatics tools for the prediction of the effect of amino acid changes on protein structure and function yielded predictions that this variant is benign. Based on the available information, we are unable to determine the clinical significance of this variant.

Ambry Genetics
Classification: Likely benign for Hereditary cancer-predisposing syndrome. Last evaluated: 2023-06-26. Review status: criteria provided, single submitter. Criteria: Ambry Variant Classification Scheme 2023. Collection method: clinical testing. Allele origin: germline.

Genome-Nilou Lab
Classification: Uncertain significance for Intellectual disability, autosomal dominant 16. Last evaluated: 2021-07-15. Review status: criteria provided, single submitter. Criteria: ACMG Guidelines, 2015. Collection method: clinical testing. Allele origin: germline. Affected: no.